The following is an entry in ClinVar:

ClinVar aggregate classification (germline): Uncertain significance (1 of 4 stars; one submission).

Conditions:
Familial cancer of breast. Also called: BREAST CANCER, FAMILIAL; Hereditary breast cancer; hereditary breast carcinoma. Identifiers: Orphanet 227535, MedGen C0346153, MONDO:0016419, OMIM 114480. Disease mechanism: loss of function.

Allele frequency attached by ClinVar (database versions not stated): gnomAD exomes below 0.00001.
gnomAD v4.1: 1 of 1,613,786 alleles (0.000062%); highest among the groups gnomAD compares: Non-Finnish European, 0.000085%; no homozygotes.

Submission:

Labcorp Genetics (formerly Invitae), Labcorp
Classification: Uncertain significance for Familial cancer of breast. Last evaluated: 2025-02-12. Review status: criteria provided, single submitter. Criteria: Invitae Variant Classification Sherloc (09022015). Collection method: clinical testing. Allele origin: germline.
Comment: This sequence change replaces asparagine, which is neutral and polar, with tyrosine, which is neutral and polar, at codon 405 of the CHEK2 protein (p.Asn405Tyr). This variant is not present in population databases (gnomAD no frequency). This variant has not been reported in the literature in individuals affected with CHEK2-related conditions. ClinVar contains an entry for this variant (Variation ID: 1489997). An algorithm developed to predict the effect of missense changes on protein structure and function (PolyPhen-2) suggests that this variant is likely to be disruptive. In summary, the available evidence is currently insufficient to determine the role of this variant in disease. Therefore, it has been classified as a Variant of Uncertain Significance.

NM_007194.4(CHEK2):c.1213A>T (p.Asn405Tyr)

Gene: CHEK2 (checkpoint kinase 2; minus strand). Cytogenetic location: 22q12.1.
Variant type: single nucleotide variant.
Coding change: c.1213A>T on transcript NM_007194.4 (MANE Select); coding-DNA position 1213, A replaced by T.
Protein change: p.Asn405Tyr; replaces asparagine 405 with tyrosine.
Molecular consequence: missense variant.
Genome position (GRCh38, 1-based): chr22:28,695,756, T>A on the plus strand (A>T on the coding strand, the complement: CHEK2 is on the minus strand). VCF-style: chr22-28695756-T-A. GRCh37 (hg19) VCF-style: chr22-29091744-T-A.
Other names: c.1342A>T, p.Asn448Tyr (NM_001005735.3); c.550A>T, p.Asn184Tyr (NM_001257387.3); c.1012A>T, p.Asn338Tyr (NM_001349956.3); c.1126A>T, p.Asn376Tyr (NM_145862.3); short protein forms N448Y, N184Y, N376Y, N405Y, N338Y.
Identifiers: ClinVar variation 1489997 (VCV001489997.9), dbSNP rs2145802765, ClinGen allele CA411096725.
Genomic context (GRCh38, chr22:28,695,756, plus strand): 5'-AAAATATTTCTTACCAGATAAAAAGAATAACTCCTAAACTCCAGCAGTCCACAGCACGGT[T>A]ATACCCAGCAGTCCCAACAGAAACAAGAACTTCAGGCGCCAAGTAGGTGGGGGTTCCACA-3'
Protein context (NP_009125.1, residues 395-415): VLVSVGTAGY[Asn405Tyr]RAVDCWSLGV